The following is an entry in ClinVar:

NM_001267550.2(TTN):c.7586C>T (p.Ser2529Phe)

Gene: TTN (titin; minus strand). Cytogenetic location: 2q31.2.
Variant type: single nucleotide variant.
Coding change: c.7586C>T on transcript NM_001267550.2 (MANE Select); coding-DNA position 7586, C replaced by T.
Protein change: p.Ser2529Phe; replaces serine 2529 with phenylalanine.
Molecular consequence: missense variant.
Genome position (GRCh38, 1-based): chr2:178,773,470, G>A on the plus strand (C>T on the coding strand, the complement: TTN is on the minus strand). VCF-style: chr2-178773470-G-A. GRCh37 (hg19) VCF-style: chr2-179638197-G-A.
Other names: c.7586C>T, p.Ser2529Phe (NM_001256850.1, NM_133378.4, NM_133379.5); c.7448C>T, p.Ser2483Phe (NM_003319.4, NM_133432.3, NM_133437.4); short protein forms S2483F, S2529F.
Identifiers: ClinVar variation 2503210 (VCV002503210.1), dbSNP rs1474453684, ClinGen allele CA349679791.

ClinVar aggregate classification (germline): Uncertain significance (1 of 4 stars; one submission).

Allele frequency attached by ClinVar (database versions not stated): gnomAD exomes 0.00001.
gnomAD v4.1: 3 of 1,613,990 alleles (0.00019%); highest among the groups gnomAD compares: East Asian, 0.0022%; no homozygotes.

Submission:

GeneDx
Classification: Uncertain significance. Last evaluated: 2022-11-29. Review status: criteria provided, single submitter. Criteria: GeneDx Variant Classification Process June 2021. Collection method: clinical testing. Allele origin: germline. Affected: yes.
Comment: Not observed at significant frequency in large population cohorts (gnomAD); Missense variant in a gene in which most reported pathogenic variants are truncating/loss of function; Has not been previously published as pathogenic or benign to our knowledge